The following is an entry in ClinVar:

NM_001349253.2(SCN11A):c.883G>A (p.Glu295Lys)

Gene: SCN11A (sodium voltage-gated channel alpha subunit 11; minus strand). Cytogenetic location: 3p22.2.
Variant type: single nucleotide variant.
Coding change: c.883G>A on transcript NM_001349253.2 (MANE Select); coding-DNA position 883, G replaced by A.
Protein change: p.Glu295Lys; replaces glutamic acid 295 with lysine.
Molecular consequence: missense variant.
Genome position (GRCh38, 1-based): chr3:38,921,085, C>T on the plus strand (G>A on the coding strand, the complement: SCN11A is on the minus strand). VCF-style: chr3-38921085-C-T. GRCh37 (hg19) VCF-style: chr3-38962576-C-T.
Other names: c.883G>A, p.Glu295Lys (NM_014139.3); short protein forms E295K.
Identifiers: ClinVar variation 3793171 (VCV003793171.2).
Genomic context (GRCh38, chr3:38,921,085, plus strand): 5'-AAAAGTTAACCATGCAAAAACCAAGGAGTGAAAGAAAGGTTGGGTATTTACCATAAGCTT[C>T]CGGGTTACTGATATTTTTACAGTCCCTCGAGATGCATTTCAGGTTCAGACTTCCCATGAA-3'
Protein context (NP_001336182.1, residues 285-305): SRDCKNISNP[Glu295Lys]AYDHCFEKKE

ClinVar aggregate classification (germline): Uncertain significance. Review status: criteria provided, multiple submitters, no conflicts (2 of 4 stars). 2 submissions from 2 submitters: Uncertain significance (2). Last evaluated 2025-09-20.

Conditions:
Inborn genetic diseases. Identifiers: MedGen C0950123, MeSH D030342.
Hereditary sensory and autonomic neuropathy type 7. Also called: Neuropathy, hereditary sensory and autonomic, type VII; HSAN VII. Identifiers: Orphanet 391397, MedGen C3809882, MONDO:0014244, OMIM 615548.
Familial episodic pain syndrome with predominantly lower limb involvement. Also called: Episodic pain syndrome, familial, 3. Identifiers: Orphanet 391384, Orphanet 391392, MedGen C3809899, MONDO:0014247, OMIM 615552.

Submissions (2):

Labcorp Genetics (formerly Invitae), Labcorp
Classification: Uncertain significance for Familial episodic pain syndrome with predominantly lower limb involvement; Hereditary sensory and autonomic neuropathy type 7. Last evaluated: 2025-09-20. Review status: criteria provided, single submitter. Criteria: Invitae Variant Classification Sherloc (09022015). Collection method: clinical testing. Allele origin: germline.
Comment: This sequence change replaces glutamic acid, which is acidic and polar, with lysine, which is basic and polar, at codon 295 of the SCN11A protein (p.Glu295Lys). This variant is present in population databases (no rsID available, gnomAD 0.007%). This variant has not been reported in the literature in individuals affected with SCN11A-related conditions. ClinVar contains an entry for this variant (Variation ID: 3793171). Invitae Evidence Modeling of protein sequence and biophysical properties (such as structural, functional, and spatial information, amino acid conservation, physicochemical variation, residue mobility, and thermodynamic stability) indicates that this missense variant is not expected to disrupt SCN11A protein function with a negative predictive value of 80%. Algorithms developed to predict the effect of sequence changes on RNA splicing suggest that this variant may create or strengthen a splice site. In summary, the available evidence is currently insufficient to determine the role of this variant in disease. Therefore, it has been classified as a Variant of Uncertain Significance.

Ambry Genetics
Classification: Uncertain significance for Inborn genetic diseases. Last evaluated: 2025-01-02. Review status: criteria provided, single submitter. Criteria: Ambry Variant Classification Scheme 2023. Collection method: clinical testing. Allele origin: germline.